The following is an entry in ClinVar:

ClinVar aggregate classification (germline): Likely benign (1 of 4 stars; one submission).

Allele frequency attached by ClinVar (database versions not stated): gnomAD 0.00003; gnomAD exomes 0.00006; ESP Exome Variant Server 0.00008; ExAC 0.00009.
gnomAD v4.1: 88 of 1,605,098 alleles (0.0055%); highest among the groups gnomAD compares: Non-Finnish European, 0.0044%; 1 homozygote.

Submission:

CeGaT Center for Human Genetics Tuebingen
Classification: Likely benign. Last evaluated: 2023-06-01. Review status: criteria provided, single submitter. Criteria: CeGaT Center For Human Genetics Tuebingen Variant Classification Criteria Version 2. Collection method: clinical testing. Allele origin: germline. Affected: yes. Observed: 1 variant allele.
Comment: SORD: BP4, BP7

NM_003104.6(SORD):c.699C>G (p.Ala233=)

Gene: SORD (sorbitol dehydrogenase; plus strand). Cytogenetic location: 15q21.1.
Variant type: single nucleotide variant.
Coding change: c.699C>G on transcript NM_003104.6 (MANE Select); coding-DNA position 699, C replaced by G.
Protein change: p.Ala233=; no amino-acid change (alanine 233 retained).
Molecular consequence: synonymous variant. On other transcripts: non-coding transcript variant (1).
Genome position (GRCh38, 1-based): chr15:45,068,965, C>G. VCF-style: chr15-45068965-C-G. GRCh37 (hg19) VCF-style: chr15-45361163-C-G.
Identifiers: ClinVar variation 2645289 (VCV002645289.24), dbSNP rs374020622, ClinGen allele CA7537288.